The following is an entry in ClinVar:

ClinVar aggregate classification (germline): Pathogenic (1 of 4 stars; one submission).

Submission:

Labcorp Genetics (formerly Invitae), Labcorp
Classification: Pathogenic. Last evaluated: 2022-06-24. Review status: criteria provided, single submitter. Criteria: Invitae Variant Classification Sherloc (09022015). Collection method: clinical testing. Allele origin: germline.
Comment: This sequence change creates a premature translational stop signal (p.Lys162*) in the RDX gene. It is expected to result in an absent or disrupted protein product. Loss-of-function variants in RDX are known to be pathogenic (PMID: 12068294, 17226784). This variant is not present in population databases (gnomAD no frequency). This variant has not been reported in the literature in individuals affected with RDX-related conditions. For these reasons, this variant has been classified as Pathogenic.

Literature cited by the submitters: PubMed 12068294; PubMed 17226784.

NM_002906.4(RDX):c.484_487del (p.His161_Lys162insTer)

Gene: RDX (radixin; minus strand). Cytogenetic location: 11q22.3.
Variant type: Deletion.
Coding change: c.484_487del on transcript NM_002906.4 (MANE Select); coding-DNA positions 484 to 487, 4 bases deleted (AAAC; older notation c.484_487delAAAC).
Protein change: p.His161_Lys162insTer.
Molecular consequence: nonsense. On other transcripts: intron variant (1).
Genome position (GRCh38, 1-based): chr11:110,258,170-110,258,173, GTTT deleted on the plus strand (AAAC on the coding strand, the reverse complement: RDX is on the minus strand); deleting any 4 consecutive bases within chr11:110,258,170-110,258,175 gives the same sequence; the c. name uses the placement nearest the transcript's 3' end. VCF-style (leftmost placement, unchanged base first): chr11-110258169-AGTTT-A. GRCh37 (hg19) VCF-style: chr11-110128894-AGTTT-A.
Other names: c.484_487del, p.His161_Lys162insTer (NM_001260492.2, NM_001260493.2); c.76_79del, p.His25_Lys26insTer (NM_001260494.2); c.388_391del, p.His129_Lys130insTer (NM_001260496.2); c.-82-10340_-82-10337del (NM_001260495.2).
Identifiers: ClinVar variation 2418984 (VCV002418984.6), dbSNP rs2539423213, ClinGen allele CA2580083196.